The following is an entry in ClinVar:

NM_001395656.1(ROBO2):c.*1047T>C

Gene: ROBO2 (roundabout guidance receptor 2; plus strand). Cytogenetic location: 3p12.3.
Variant type: single nucleotide variant.
Coding change: c.*1047T>C on transcript NM_001395656.1 (MANE Select); 1047 bases downstream of the stop codon, T replaced by C.
Molecular consequence: 3 prime UTR variant.
Genome position (GRCh38, 1-based): chr3:77,647,102, T>C. VCF-style: chr3-77647102-T-C. GRCh37 (hg19) VCF-style: chr3-77696253-T-C.
Other names: c.*1047T>C (NM_001128929.3, NM_001290039.2, NM_001290040.2 and 14 more transcripts); c.*1044T>C (NM_001378194.1, NM_001378196.1, NM_001378199.1 and 3 more transcripts).
Identifiers: ClinVar variation 903460 (VCV000903460.5), dbSNP rs180917067, ClinGen allele CA77533683.

ClinVar aggregate classification (germline): Benign (1 of 4 stars; one submission).

Conditions:
Vesicoureteral reflux 2 (VUR2). Identifiers: Orphanet 289365, MedGen C1970483, MONDO:0012573, OMIM 610878.

Allele frequency attached by ClinVar (database versions not stated): 1000 Genomes Project 0.00060; gnomAD 0.00065 and 0.00066; 1000 Genomes Project 30x 0.00078; TOPMed 0.00091.

Submission:

Illumina Laboratory Services, Illumina
Classification: Benign for Vesicoureteral reflux 2. Last evaluated: 2018-01-12. Review status: criteria provided, single submitter. Criteria: ICSL Variant Classification Criteria 13 December 2019. Collection method: clinical testing. Allele origin: germline.
Comment: This variant was observed in the ICSL laboratory as part of a predisposition screen in an ostensibly healthy population. It had not been previously curated by ICSL or reported in the Human Gene Mutation Database (HGMD: prior to June 1st, 2018), and was therefore a candidate for classification through an automated scoring system. Utilizing variant allele frequency, disease prevalence and penetrance estimates, and inheritance mode, an automated score was calculated to assess if this variant is too frequent to cause the disease. Based on the score and internal cut-off values, a variant classified as benign is not then subjected to further curation. The score for this variant resulted in a classification of benign for this disease.